The following is an entry in ClinVar:

NM_001669.4(ARSD):c.1000+929T>C

Gene: ARSD (arylsulfatase D; minus strand). Cytogenetic location: Xp22.33.
Variant type: single nucleotide variant.
Coding change: c.1000+929T>C on transcript NM_001669.4 (MANE Select); 929 bases into the intron after coding-DNA position 1000, T replaced by C.
Molecular consequence: intron variant. On other transcripts: stop lost (1).
Genome position (GRCh38, 1-based): chrX:2,914,627, A>G on the plus strand (T>C on the coding strand, the complement: ARSD is on the minus strand). VCF-style: chrX-2914627-A-G. GRCh37 (hg19) VCF-style: chrX-2832668-A-G.
Other names: c.1147T>C, p.Ter383Gln (NM_009589.5).
Identifiers: ClinVar variation 3060895 (VCV003060895.2), dbSNP rs139484145, ClinGen allele CA10337549.
Genomic context (GRCh38, chrX:2,914,627, plus strand): 5'-ACTCTATCACGATGCTTGTCTCAGGAGACACATTCAGATTCTGCAAGAATTTTAATGTCT[A>G]TGCTCTTTTAAGAATCTGCAGCCTCACTGGTCCTCTCCAGGGTTTCTTGAAGGCCATAGA-3'

ClinVar aggregate classification (germline): Likely benign (0 of 4 stars; one submission).

Conditions:
ARSD-related disorder. Also called: ARSD-related condition.

Allele frequency attached by ClinVar (database versions not stated): gnomAD exomes 0.00002; TOPMed 0.00002; ExAC 0.00242.
gnomAD v4.1: 17 of 1,025,691 alleles (0.0017%); highest among the groups gnomAD compares: East Asian, 0.1%; no homozygotes.

Submission:

PreventionGenetics, part of Exact Sciences
Classification: Likely benign for ARSD-related condition. Last evaluated: 2020-07-31. Review status: no assertion criteria provided. Collection method: clinical testing. Allele origin: germline.
Comment: This variant is classified as likely benign based on ACMG/AMP sequence variant interpretation guidelines (Richards et al. 2015 PMID: 25741868, with internal and published modifications).